The following is an entry in ClinVar:

ClinVar aggregate classification (germline): Uncertain significance (1 of 4 stars; one submission).

Conditions:
Ullrich congenital muscular dystrophy 2 (UCMD2). Identifiers: Orphanet 75840, MedGen C4225314, MONDO:0014654, OMIM 616470.
Bethlem myopathy 2 (BTHLM2). Identifiers: Orphanet 536516, Orphanet 610, MedGen C4225313, MONDO:0034022, OMIM 616471.

Submission:

Labcorp Genetics (formerly Invitae), Labcorp
Classification: Uncertain significance for Bethlem myopathy 2; Ullrich congenital muscular dystrophy 2. Last evaluated: 2022-02-10. Review status: criteria provided, single submitter. Criteria: Invitae Variant Classification Sherloc (09022015). Collection method: clinical testing. Allele origin: germline.
Comment: A copy number gain of the genomic region encompassing the full coding sequence of the COL12A1 gene has been identified. The boundaries of this event are unknown as they extend beyond the assayed region for this gene and therefore may encompass additional genes. As the precise location of this event is unknown, it may be in tandem or it may be located elsewhere in the genome. This variant has not been reported in the literature in individuals affected with COL12A1-related conditions. In summary, the available evidence is currently insufficient to determine the role of this variant in disease. Therefore, it has been classified as a Variant of Uncertain Significance.

NC_000006.12:g.(?_75086537)_(75202802_?)dup

Gene: COL12A1 (collagen type XII alpha 1 chain; minus strand). Cytogenetic location: 6q13-14.1.
Variant type: Duplication.
Identifiers: ClinVar variation 831653 (VCV000831653.6).